The following is an entry in ClinVar:

ClinVar aggregate classification (germline): Pathogenic/Likely pathogenic. Review status: criteria provided, multiple submitters, no conflicts (2 of 4 stars). 4 submissions from 4 submitters: Pathogenic (2); Likely pathogenic (1). 1 of the submissions does not count toward it. Last evaluated 2024-10-28.

Conditions:
GNE myopathy (NM). Also called: INCLUSION BODY MYOPATHY, HEREDITARY, AUTOSOMAL RECESSIVE; INCLUSION BODY MYOPATHY 2, AUTOSOMAL RECESSIVE; MYOPATHY, DISTAL, WITH OR WITHOUT RIMMED VACUOLES; IBM 2; Inclusion body myopathy autosomal recessive; Inclusion body myopathy quadriceps sparing. Identifiers: Orphanet 602, MedGen C1853926, MONDO:0011603, OMIM 605820.
Sialuria. Also called: SIALURIA, FRENCH TYPE; Sialic Acid Storage Disease. Identifiers: Orphanet 3166, MedGen C0342853, MONDO:0010028, OMIM 269921.

Submissions (4):

Labcorp Genetics (formerly Invitae), Labcorp
Classification: Pathogenic for Sialuria; GNE myopathy. Last evaluated: 2024-10-28. Review status: criteria provided, single submitter. Criteria: Invitae Variant Classification Sherloc (09022015). Collection method: clinical testing. Allele origin: germline.
Comment: This sequence change creates a premature translational stop signal (p.Met263Cysfs*4) in the GNE gene. It is expected to result in an absent or disrupted protein product. Loss-of-function variants in GNE are known to be pathogenic (PMID: 24027297). This variant is not present in population databases (gnomAD no frequency). This variant has not been reported in the literature in individuals affected with GNE-related conditions. ClinVar contains an entry for this variant (Variation ID: 524125). For these reasons, this variant has been classified as Pathogenic.

Baylor Genetics
Classification: Pathogenic for GNE myopathy. Last evaluated: 2024-02-06. Review status: criteria provided, single submitter. Criteria: ACMG Guidelines, 2015. Collection method: clinical testing. Allele origin: unknown.

GeneDx
Classification: Likely pathogenic. Last evaluated: 2019-06-18. Review status: criteria provided, single submitter. Criteria: GeneDx Variant Classification Process June 2021. Collection method: clinical testing. Allele origin: germline. Affected: yes.
Comment: Frameshift variant predicted to result in protein truncation or nonsense mediated decay in a gene for which loss-of-function is a known mechanism of disease; Not observed in large population cohorts (Lek et al., 2016); Has not been previously published as pathogenic or benign to our knowledge

Natera, Inc.
Classification: Likely pathogenic for Nonaka myopathy. Last evaluated: 2020-09-16. Review status: no assertion criteria provided. Collection method: clinical testing. Allele origin: germline. Not counted in ClinVar's aggregate classification.

Literature cited by the submitters: PubMed 24027297 (cited by Labcorp Genetics (formerly Invitae), Labcorp).

NM_005476.7(GNE):c.694del (p.Met232fs)

Gene: GNE (glucosamine (UDP-N-acetyl)-2-epimerase/N-acetylmannosamine kinase; minus strand). Cytogenetic location: 9p13.3.
Variant type: Deletion.
Coding change: c.694del on transcript NM_005476.7 (MANE Select); coding-DNA position 694, one base deleted (A; older notation c.694delA).
Protein change: p.Met232fs; shifts the reading frame from methionine 232.
Molecular consequence: frameshift variant. On other transcripts: intron variant (2).
Genome position (GRCh38, 1-based): chr9:36,236,907, T deleted on the plus strand (A on the coding strand, the reverse complement: GNE is on the minus strand); the first of 5 consecutive T bases (chr9:36,236,907-36,236,911); deleting any one gives the same sequence. VCF-style (leftmost placement, unchanged base first): chr9-36236906-AT-A. GRCh37 (hg19) VCF-style: chr9-36236903-AT-A.
Other names: c.787delA (NM_001128227.2, NM_001128227.3); c.787del, p.Met263fs (NM_001128227.3); c.694del, p.Met232fs (NM_001190383.3); c.517del, p.Met173fs (NM_001190388.2, NM_001374798.1); c.440-2775del (NM_001190384.3); c.617-2775del (NM_001374797.1); short protein forms M232fs, M263fs, M173fs.
Identifiers: ClinVar variation 524125 (VCV000524125.11), dbSNP rs1554661549, ClinGen allele CA658797203.